The following is an entry in ClinVar:

ClinVar aggregate classification (germline): Uncertain significance (1 of 4 stars; one submission).

Conditions:
Inborn genetic diseases. Identifiers: MedGen C0950123, MeSH D030342.

gnomAD v4.1: 17 of 1,614,042 alleles (0.0011%); highest among the groups gnomAD compares: Non-Finnish European, 0.0014%; no homozygotes.

Submission:

Ambry Genetics
Classification: Uncertain significance for Inborn genetic diseases. Last evaluated: 2026-05-23. Review status: criteria provided, single submitter. Criteria: Ambry Variant Classification Scheme 2023. Collection method: clinical testing. Allele origin: germline.
Comment: The c.3580G>A (p.E1194K) alteration is located in exon 20 (coding exon 19) of the HECW2 gene. This alteration results from a G to A substitution at nucleotide position 3580, causing the glutamic acid (E) at amino acid position 1194 to be replaced by a lysine (K). Based on data from gnomAD, the A allele has an overall frequency of 0.001% (3/282774) total alleles studied. The highest observed frequency was 0.002% (3/129100) of European (non-Finnish) alleles. Based on insufficient or conflicting evidence, the clinical significance of this alteration remains unclear.

NM_001348768.2(HECW2):c.3580G>A (p.Glu1194Lys)

Gene: HECW2 (HECT, C2 and WW domain containing E3 ubiquitin protein ligase 2; minus strand). Cytogenetic location: 2q32.3.
Variant type: single nucleotide variant.
Coding change: c.3580G>A on transcript NM_001348768.2 (MANE Select); coding-DNA position 3580, G replaced by A.
Protein change: p.Glu1194Lys; replaces glutamic acid 1194 with lysine.
Molecular consequence: missense variant.
Genome position (GRCh38, 1-based): chr2:196,242,154, C>T on the plus strand (G>A on the coding strand, the complement: HECW2 is on the minus strand). VCF-style: chr2-196242154-C-T. GRCh37 (hg19) VCF-style: chr2-197106878-C-T.
Other names: c.2512G>A, p.Glu838Lys (NM_001304840.3); c.3580G>A, p.Glu1194Lys (NM_020760.4); short protein forms E1194K, E838K.
Identifiers: ClinVar variation 4858333 (VCV004858333.1).